The following is an entry in ClinVar:

NM_001042492.3(NF1):c.4980T>G (p.Ser1660=)

Gene: NF1 (neurofibromin 1; plus strand). Cytogenetic location: 17q11.2.
Variant type: single nucleotide variant.
Coding change: c.4980T>G on transcript NM_001042492.3 (MANE Select); coding-DNA position 4980, T replaced by G.
Protein change: p.Ser1660=; no amino-acid change (serine 1660 retained).
Molecular consequence: synonymous variant.
Genome position (GRCh38, 1-based): chr17:31,325,964, T>G. VCF-style: chr17-31325964-T-G. GRCh37 (hg19) VCF-style: chr17-29652982-T-G.
Other names: c.4917T>G, p.Ser1639= (NM_000267.4).
Identifiers: ClinVar variation 752831 (VCV000752831.9), dbSNP rs1597829786, ClinGen allele CA499233000.

ClinVar aggregate classification (germline): Benign/Likely benign. Review status: criteria provided, multiple submitters, no conflicts (2 of 4 stars). 3 submissions from 3 submitters: Benign (1); Likely benign (2). Last evaluated 2026-07-05.

Conditions:
Cardiovascular phenotype. Identifiers: MedGen CN230736.
Hereditary cancer-predisposing syndrome. Also called: Tumor predisposition; Hereditary Cancer Syndrome; Neoplastic Syndromes, Hereditary; Hereditary neoplastic syndrome. Identifiers: Orphanet 140162, MedGen C0027672, MeSH D009386, MONDO:0015356.
Neurofibromatosis, type 1 (NF1). Also called: NEUROFIBROMATOSIS, TYPE I, SOMATIC; VON RECKLINGHAUSEN DISEASE; Neurofibromatosis, type I; Peripheral type neurofibromatosis. Identifiers: Orphanet 636, MedGen C0027831, MONDO:0018975, OMIM 162200. Disease mechanism: loss of function.

Allele frequency attached by ClinVar (database versions not stated): TOPMed below 0.00001.

Submissions (3):

Ambry Genetics
Classification: Likely benign for Cardiovascular phenotype; Hereditary cancer-predisposing syndrome. Last evaluated: 2026-07-05. Review status: criteria provided, single submitter. Criteria: Ambry Variant Classification Scheme 2023. Collection method: clinical testing. Allele origin: germline.

Myriad Genetics, Inc.
Classification: Benign for Neurofibromatosis, type 1. Last evaluated: 2026-05-20. Review status: criteria provided, single submitter. Criteria: Myriad Autosomal Dominant, Autosomal Recessive and X-Linked Classification Criteria (2023). Collection method: clinical testing. Allele origin: unknown.
Comment: This variant is considered benign. This variant is a silent/synonymous amino acid change and it is not expected to impact splicing.

Labcorp Genetics (formerly Invitae), Labcorp
Classification: Likely benign for Neurofibromatosis, type 1. Last evaluated: 2023-03-13. Review status: criteria provided, single submitter. Criteria: Invitae Variant Classification Sherloc (09022015). Collection method: clinical testing. Allele origin: germline.